The following is an entry in ClinVar:

NM_001202.6(BMP4):c.666del (p.Arg223fs)

Gene: BMP4 (bone morphogenetic protein 4; minus strand). Cytogenetic location: 14q22.2.
Variant type: Deletion.
Coding change: c.666del on transcript NM_001202.6 (MANE Select); coding-DNA position 666, one base deleted (T; older notation c.666delT).
Protein change: p.Arg223fs; shifts the reading frame from arginine 223.
Molecular consequence: frameshift variant.
Genome position (GRCh38, 1-based): chr14:53,950,593, A deleted on the plus strand (T on the coding strand, the reverse complement: BMP4 is on the minus strand); the first of 2 consecutive A bases (chr14:53,950,593-53,950,594); deleting either gives the same sequence. VCF-style (leftmost placement, unchanged base first): chr14-53950592-GA-G. GRCh37 (hg19) VCF-style: chr14-54417310-GA-G.
Other names: c.807del, p.Arg270fs (NM_001347912.1); c.477del, p.Arg160fs (NM_001347913.2, NM_001347915.2, NM_001347917.1); c.666del, p.Arg223fs (NM_001347914.2, NM_001347916.1, NM_130850.5 and 1 more transcripts); short protein forms R160fs, R223fs, R270fs.
Identifiers: ClinVar variation 1098358 (VCV001098358.2), dbSNP rs2140235147, ClinGen allele CA2499222638.

ClinVar aggregate classification (germline): Likely pathogenic (1 of 4 stars; one submission).

Submission:

Genetics Laboratory, UDIAT-Centre Diagnòstic, Hospital Universitari Parc Tauli
Classification: Likely pathogenic. Last evaluated: 2021-04-26. Review status: criteria provided, single submitter. Criteria: Parc Tauli Hospital Assertion Criteria 2021. Collection method: clinical testing. Allele origin: de novo. Inheritance: Autosomal dominant inheritance. Affected: yes. Observed: 1 heterozygote.
Comment: PVS1_strong;PM2_supporting;PM6_moderate